The following is an entry in ClinVar:

ClinVar aggregate classification (germline): Pathogenic/Likely pathogenic. Review status: criteria provided, multiple submitters, no conflicts (2 of 4 stars). 2 submissions from 2 submitters: Pathogenic (1); Likely pathogenic (1). Last evaluated 2024-07-31.

Conditions:
Hereditary cancer-predisposing syndrome. Also called: Hereditary Cancer Syndrome; Neoplastic Syndromes, Hereditary; Tumor predisposition; Hereditary neoplastic syndrome. Identifiers: Orphanet 140162, MedGen C0027672, MeSH D009386, MONDO:0015356.
Hereditary breast ovarian cancer syndrome. Also called: Hereditary breast and ovarian cancer syndrome; Hereditary breast and ovarian cancer; Hereditary breast and ovarian cancer syndrome (HBOC); Breast and ovarian cancer; Hereditary breast and/or ovarian cancer syndrome; BRCA1- and BRCA2-Associated Hereditary Breast and Ovarian Cancer. Identifiers: Orphanet 145, MedGen C0677776, MeSH D061325, MONDO:0003582. Disease mechanism: loss of function.

Submissions (2):

Ambry Genetics
Classification: Likely pathogenic for Hereditary cancer-predisposing syndrome. Last evaluated: 2024-07-31. Review status: criteria provided, single submitter. Criteria: Ambry Variant Classification Scheme 2023. Collection method: clinical testing. Allele origin: germline.
Comment: The c.441+2T>C intronic variant results from a T to C substitution two nucleotides after coding exon 5 in the BRCA1 gene. This nucleotide position is highly conserved in available vertebrate species. This variant was identified in an individual with a personal history of triple negative breast cancer (Ji G et al. J Cancer Res Clin Oncol. 2021 Oct;147(10):2935-2944). In silico splice site analysis predicts that this alteration will weaken the native splice donor site. RNA studies have demonstrated that this alteration results in abnormal splicing in the set of samples tested (Ambry internal data). This variant is considered to be rare based on population cohorts in the Genome Aggregation Database (gnomAD). Based on the majority of available evidence to date, this variant is likely to be pathogenic.

Labcorp Genetics (formerly Invitae), Labcorp
Classification: Pathogenic for Hereditary breast ovarian cancer syndrome. Last evaluated: 2024-06-19. Review status: criteria provided, single submitter. Criteria: Invitae Variant Classification Sherloc (09022015). Collection method: clinical testing. Allele origin: germline.
Comment: This sequence change affects a donor splice site in intron 6 of the BRCA1 gene. RNA analysis indicates that disruption of this splice site induces altered splicing and may result in an absent or disrupted protein product. Disruption of this splice site has been observed in individual(s) with hereditary breast and/or ovarian cancer (PMID: 21769658, 35534704, 35957908; Library Status History Date Reviewed Reviewed By Notes 34413315). This variant is not present in population databases (gnomAD no frequency). Disruption of this splice site has been observed in individual(s) with breast and/or ovarian cancer (PMID: 35534704, 35957908). ClinVar contains an entry for this variant (Variation ID: 481461). Based on a multifactorial likelihood algorithm using genetic, in silico, and/or statistical data, this variant has been determined to have a high probability of being pathogenic (PMID: 21769658). Studies have shown that disruption of this splice site results in use of cryptic donor and acceptor splice sites and introduces a premature termination codon (PMID: 21769658). The resulting mRNA is expected to undergo nonsense-mediated decay. For these reasons, this variant has been classified as Pathogenic.

Literature cited by the submitters: PubMed 34254208 (cited by Ambry Genetics); PubMed 34413315 (cited by Ambry Genetics); PubMed 35534704 (cited by Labcorp Genetics (formerly Invitae), Labcorp); PubMed 35957908 (cited by Labcorp Genetics (formerly Invitae), Labcorp); PubMed 21769658 (cited by Labcorp Genetics (formerly Invitae), Labcorp).

NM_007294.4(BRCA1):c.441+2T>C

Gene: BRCA1 (BRCA1 DNA repair associated; minus strand). Cytogenetic location: 17q21.31.
Variant type: single nucleotide variant.
Coding change: c.441+2T>C on transcript NM_007294.4 (MANE Select); the canonical splice donor site of the intron after coding-DNA position 441, T replaced by C.
Molecular consequence: splice donor variant. On other transcripts: intron variant (2).
Genome position (GRCh38, 1-based): chr17:43,104,120, A>G on the plus strand (T>C on the coding strand, the complement: BRCA1 is on the minus strand). VCF-style: chr17-43104120-A-G. GRCh37 (hg19) VCF-style: chr17-41256137-A-G.
Other names: c.300+2T>C (NM_001408458.1, NM_001407931.1, NM_001407747.1 and 99 more transcripts); c.-218-9260T>C (NM_001407967.1, NM_001407966.1); c.60+2T>C (NM_001407959.1, NM_001407962.1, NM_001408512.1 and 4 more transcripts); c.231+2T>C (NM_001407885.1, NM_001407886.1, NM_001407898.1 and 58 more transcripts); c.441+2T>C (NM_001407686.1, NM_001408397.1, NM_001407632.1 and 164 more transcripts); c.309+2T>C (NM_001408451.1); c.363+2T>C (NM_001408475.1, NM_001407875.1, NM_001407659.1 and 21 more transcripts); c.432+2T>C (NM_001408408.1, NM_001407647.1, NM_001407646.1).
Identifiers: ClinVar variation 481461 (VCV000481461.9), dbSNP rs397509173, ClinGen allele CA10601263.